The following is an entry in ClinVar:

NM_004006.3(DMD):c.6937C>T (p.Gln2313Ter)

Gene: DMD (dystrophin; minus strand). Cytogenetic location: Xp21.1.
Variant type: single nucleotide variant.
Coding change: c.6937C>T on transcript NM_004006.3 (MANE Select); coding-DNA position 6937, C replaced by T.
Protein change: p.Gln2313Ter; replaces glutamine 2313 with a stop codon.
Molecular consequence: nonsense. On other transcripts: 5 prime UTR variant (5).
Genome position (GRCh38, 1-based): chrX:31,875,349, G>A on the plus strand (C>T on the coding strand, the complement: DMD is on the minus strand). VCF-style: chrX-31875349-G-A. GRCh37 (hg19) VCF-style: chrX-31893466-G-A.
Other names: c.6913C>T, p.Gln2305Ter (NM_000109.4); c.6925C>T, p.Gln2309Ter (NM_004009.3); c.6568C>T, p.Gln2190Ter (NM_004010.3); c.2914C>T, p.Gln972Ter (NM_004011.4); c.2905C>T, p.Gln969Ter (NM_004012.4); c.-444C>T (NM_004013.3, NM_004020.4, NM_004021.3 and 2 more transcripts); short protein forms Q2305*, Q969*, Q972*, Q2313*, Q2190*, Q2309*.
Identifiers: ClinVar variation 1387479 (VCV001387479.6), dbSNP rs2149680612, ClinGen allele CA412660220.
Genomic context (GRCh38, chrX:31,875,349, plus strand): 5'-GGTCTTCAAGCTTTTTTTCAAGCTGCCCAAGGTCTTTTATTTGAGCTTCAATTTCTCCTT[G>A]TTTCTCAGGTAAAGCTCTGGAAACCTGAAAGGAAAATACATTTTAAAAAGGTAAATAATT-3'

ClinVar aggregate classification (germline): Pathogenic (1 of 4 stars; one submission).

Conditions:
Duchenne muscular dystrophy (DMD). Also called: MUSCULAR DYSTROPHY, PSEUDOHYPERTROPHIC PROGRESSIVE, DUCHENNE TYPE; Duchenne Muscular Dystrophy (DMD). Identifiers: Orphanet 98896, MedGen C0013264, MONDO:0010679, OMIM 310200.

Submission:

Labcorp Genetics (formerly Invitae), Labcorp
Classification: Pathogenic for Duchenne muscular dystrophy. Last evaluated: 2021-10-17. Review status: criteria provided, single submitter. Criteria: Invitae Variant Classification Sherloc (09022015). Collection method: clinical testing. Allele origin: germline.
Comment: This variant is not present in population databases (ExAC no frequency). This sequence change creates a premature translational stop signal (p.Gln2313*) in the DMD gene. It is expected to result in an absent or disrupted protein product. Loss-of-function variants in DMD are known to be pathogenic (PMID: 16770791, 25007885). This variant has not been reported in the literature in individuals affected with DMD-related conditions. For these reasons, this variant has been classified as Pathogenic.

Literature cited by the submitters: PubMed 16770791; PubMed 25007885.